The following is an entry in ClinVar:

NM_024757.5(EHMT1):c.2398G>A (p.Asp800Asn)

Gene: EHMT1 (euchromatic histone lysine methyltransferase 1; plus strand). Cytogenetic location: 9q34.3.
Variant type: single nucleotide variant.
Coding change: c.2398G>A on transcript NM_024757.5 (MANE Select); coding-DNA position 2398, G replaced by A.
Protein change: p.Asp800Asn; replaces aspartic acid 800 with asparagine.
Molecular consequence: missense variant.
Genome position (GRCh38, 1-based): chr9:137,790,863, G>A. VCF-style: chr9-137790863-G-A. GRCh37 (hg19) VCF-style: chr9-140685315-G-A.
Other names: c.2305G>A, p.Asp769Asn (NM_001354259.2); c.2377G>A, p.Asp793Asn (NM_001354263.2); short protein forms D793N, D769N, D800N.
Identifiers: ClinVar variation 2088727 (VCV002088727.4), dbSNP rs2538202414, ClinGen allele CA375785443.

ClinVar aggregate classification (germline): Uncertain significance (1 of 4 stars; one submission).

Conditions:
Kleefstra syndrome 1 (KLEFS1). Identifiers: Orphanet 261494, MedGen C0795833, MONDO:0027407, OMIM 610253.

Submission:

Labcorp Genetics (formerly Invitae), Labcorp
Classification: Uncertain significance for Kleefstra syndrome 1. Last evaluated: 2022-01-21. Review status: criteria provided, single submitter. Criteria: Invitae Variant Classification Sherloc (09022015). Collection method: clinical testing. Allele origin: germline.
Comment: This sequence change replaces aspartic acid, which is acidic and polar, with asparagine, which is neutral and polar, at codon 800 of the EHMT1 protein (p.Asp800Asn). In summary, the available evidence is currently insufficient to determine the role of this variant in disease. Therefore, it has been classified as a Variant of Uncertain Significance. Algorithms developed to predict the effect of missense changes on protein structure and function are either unavailable or do not agree on the potential impact of this missense change (SIFT: "Deleterious"; PolyPhen-2: "Possibly Damaging"; Align-GVGD: "Class C15"). This variant has not been reported in the literature in individuals affected with EHMT1-related conditions. This variant is not present in population databases (gnomAD no frequency).